The following is an entry in ClinVar:

ClinVar aggregate classification (germline): Likely benign (1 of 4 stars; one submission).

Allele frequency attached by ClinVar (database versions not stated): gnomAD exomes 0.00001.
gnomAD v4.1: 12 of 1,614,236 alleles (0.00074%); highest among the groups gnomAD compares: Non-Finnish European, 0.001%; no homozygotes.

Submission:

CeGaT Center for Human Genetics Tuebingen
Classification: Likely benign. Last evaluated: 2023-01-01. Review status: criteria provided, single submitter. Criteria: CeGaT Center For Human Genetics Tuebingen Variant Classification Criteria Version 2. Collection method: clinical testing. Allele origin: germline. Affected: yes. Observed: 1 variant allele.
Comment: FLG: PM2:Supporting, BP4, BP7

NM_002016.2(FLG):c.789T>G (p.Ser263=)

Genes: CCDST (cervical cancer associated DHX9 suppressive transcript; plus strand), FLG (filaggrin; minus strand). Cytogenetic location: 1q21.3.
Variant type: single nucleotide variant.
Coding change: c.789T>G on transcript NM_002016.2 (MANE Select); coding-DNA position 789, T replaced by G.
Protein change: p.Ser263=; no amino-acid change (serine 263 retained).
Molecular consequence: synonymous variant.
Genome position (GRCh38, 1-based): chr1:152,314,097, A>C on the plus strand (T>G on the coding strand, the complement: FLG is on the minus strand). VCF-style: chr1-152314097-A-C. GRCh37 (hg19) VCF-style: chr1-152286573-A-C.
Identifiers: ClinVar variation 2639324 (VCV002639324.24), dbSNP rs2525218615, ClinGen allele CA420932366.